The following is an entry in ClinVar:

ClinVar aggregate classification (germline): Uncertain significance (1 of 4 stars; one submission).

Conditions:
Immunodeficiency 18 (IMD18). Also called: CD3epsilon deficiency; CD3-EPSILON DEFICIENCY. Identifiers: MedGen C3810127, MONDO:0014278, OMIM 615615.

Allele frequency attached by ClinVar (database versions not stated): gnomAD 0.00001 and 0.00003; gnomAD exomes 0.00002; TOPMed 0.00002; ExAC 0.00001.
gnomAD v4.1: 24 of 1,614,038 alleles (0.0015%); highest among the groups gnomAD compares: African/African-American, 0.0027%; no homozygotes.

Submission:

Labcorp Genetics (formerly Invitae), Labcorp
Classification: Uncertain significance for Immunodeficiency 18. Last evaluated: 2021-09-01. Review status: criteria provided, single submitter. Criteria: Invitae Variant Classification Sherloc (09022015). Collection method: clinical testing. Allele origin: germline.
Comment: This sequence change replaces lysine with asparagine at codon 85 of the CD3E protein (p.Lys85Asn). The lysine residue is weakly conserved and there is a moderate physicochemical difference between lysine and asparagine. This variant is present in population databases (rs201263095, ExAC 0.001%). This variant has not been reported in the literature in individuals affected with CD3E-related conditions. Algorithms developed to predict the effect of missense changes on protein structure and function (SIFT, PolyPhen-2, Align-GVGD) all suggest that this variant is likely to be tolerated. In summary, the available evidence is currently insufficient to determine the role of this variant in disease. Therefore, it has been classified as a Variant of Uncertain Significance.

NM_000733.4(CD3E):c.255G>T (p.Lys85Asn)

Gene: CD3E (CD3 epsilon subunit of T-cell receptor complex; plus strand). Cytogenetic location: 11q23.3.
Variant type: single nucleotide variant.
Coding change: c.255G>T on transcript NM_000733.4 (MANE Select); coding-DNA position 255, G replaced by T.
Protein change: p.Lys85Asn; replaces lysine 85 with asparagine.
Molecular consequence: missense variant.
Genome position (GRCh38, 1-based): chr11:118,312,769, G>T. VCF-style: chr11-118312769-G-T. GRCh37 (hg19) VCF-style: chr11-118183484-G-T.
Other names: short protein forms K85N.
Identifiers: ClinVar variation 1056205 (VCV001056205.6), dbSNP rs201263095, ClinGen allele CA6301648.
Genomic context (GRCh38, chr11:118,312,769, plus strand): 5'-CATAGGCGGTGATGAGGATGATAAAAACATAGGCAGTGATGAGGATCACCTGTCACTGAA[G>T]GAATTTTCAGAATTGGAGCAAAGTGGTTATTATGTCTGCTACCCCAGAGGAAGCAAACCA-3'
Protein context (NP_000724.1, residues 75-95): IGSDEDHLSL[Lys85Asn]EFSELEQSGY